The following is an entry in ClinVar:

NM_001034853.2(RPGR):c.1086_1107dup (p.Gly370fs)

Gene: RPGR (retinitis pigmentosa GTPase regulator; minus strand). Cytogenetic location: Xp11.4.
Variant type: Duplication.
Coding change: c.1086_1107dup on transcript NM_001034853.2 (MANE Select); coding-DNA positions 1086 to 1107, 22 bases duplicated (AGTTTTTGCTGCTCCTCATCGT).
Protein change: p.Gly370fs; shifts the reading frame from glycine 370.
Molecular consequence: frameshift variant. On other transcripts: non-coding transcript variant (6), intron variant (2).
Genome position (GRCh38, 1-based): chrX:38,299,094-38,299,115, ACGATGAGGAGCAGCAAAAACT duplicated on the plus strand (AGTTTTTGCTGCTCCTCATCGT on the coding strand, the reverse complement: RPGR is on the minus strand); duplicating any 22 consecutive bases within chrX:38,299,094-38,299,117 gives the same sequence; the c. name uses the placement nearest the transcript's 3' end. VCF-style (leftmost placement, unchanged base first): chrX-38299093-C-CACGATGAGGAGCAGCAAAAACT. GRCh37 (hg19) VCF-style: chrX-38158346-C-CACGATGAGGAGCAGCAAAAACT.
Other names: c.1086_1107dup, p.Gly370fs (NM_000328.3, NM_001367247.1); c.1083_1104dup, p.Gly369fs (NM_001367245.1, NM_001367249.1, NM_001367250.1); c.1116_1137dup, p.Gly380fs (NM_001367248.1); c.1060-1663_1060-1642dup (NM_001367251.1, NM_001367246.1); short protein forms G370fs, G369fs, G380fs.
Identifiers: ClinVar variation 2695292 (VCV002695292.3), dbSNP rs2519829579, ClinGen allele CA2697553054.

ClinVar aggregate classification (germline): Pathogenic (1 of 4 stars; one submission).

Conditions:
Primary ciliary dyskinesia. Also called: Ciliary dyskinesia. Identifiers: Orphanet 244, MedGen C0008780, MONDO:0016575, HP:0012265.

Submission:

Labcorp Genetics (formerly Invitae), Labcorp
Classification: Pathogenic for Primary ciliary dyskinesia. Last evaluated: 2023-12-04. Review status: criteria provided, single submitter. Criteria: Invitae Variant Classification Sherloc (09022015). Collection method: clinical testing. Allele origin: germline.
Comment: This sequence change creates a premature translational stop signal (p.Gly370Serfs*14) in the RPGR gene. It is expected to result in an absent or disrupted protein product. Loss-of-function variants in RPGR are known to be pathogenic (PMID: 16055928, 16969763). This variant is not present in population databases (gnomAD no frequency). This variant has not been reported in the literature in individuals affected with RPGR-related conditions. For these reasons, this variant has been classified as Pathogenic.

Literature cited by the submitters: PubMed 16055928; PubMed 16969763.